The following is an entry in ClinVar:

ClinVar aggregate classification (germline): Likely benign. Review status: criteria provided, multiple submitters, no conflicts (2 of 4 stars). 2 submissions from 2 submitters: Likely benign (2). Last evaluated 2024-02-23.

Submissions (2):

Blueprint Genetics
Classification: Likely benign. Last evaluated: 2024-02-23. Review status: criteria provided, single submitter. Criteria: ACMG Guidelines, 2015. Collection method: clinical testing. Allele origin: germline.

CeGaT Center for Human Genetics Tuebingen
Classification: Likely benign. Last evaluated: 2022-06-01. Review status: criteria provided, single submitter. Criteria: CeGaT Center For Human Genetics Tuebingen Variant Classification Criteria Version 2. Collection method: clinical testing. Allele origin: germline. Affected: yes. Observed: 1 variant allele.
Comment: RNF213: PM2:Supporting, BP4, BP7

NM_001256071.3(RNF213):c.1641C>T (p.Ile547=)

Gene: RNF213 (ring finger protein 213; plus strand). Cytogenetic location: 17q25.3.
Variant type: single nucleotide variant.
Coding change: c.1641C>T on transcript NM_001256071.3 (MANE Select); coding-DNA position 1641, C replaced by T.
Protein change: p.Ile547=; no amino-acid change (isoleucine 547 retained).
Molecular consequence: synonymous variant.
Genome position (GRCh38, 1-based): chr17:80,294,889, C>T. VCF-style: chr17-80294889-C-T. GRCh37 (hg19) VCF-style: chr17-78268688-C-T.
Other names: c.1788C>T, p.Ile596= (NM_001410195.1, NM_020914.5); c.1641C>T, p.Ile547= (NM_020954.4).
Identifiers: ClinVar variation 2648409 (VCV002648409.25), dbSNP rs145553991, ClinGen allele CA502403285.